The following is an entry in ClinVar:

NM_004655.4(AXIN2):c.2468A>T (p.Glu823Val)

Gene: AXIN2 (axin 2; minus strand). Cytogenetic location: 17q24.1.
Variant type: single nucleotide variant.
Coding change: c.2468A>T on transcript NM_004655.4 (MANE Select); coding-DNA position 2468, A replaced by T.
Protein change: p.Glu823Val; replaces glutamic acid 823 with valine.
Molecular consequence: missense variant.
Genome position (GRCh38, 1-based): chr17:65,530,040, T>A on the plus strand (A>T on the coding strand, the complement: AXIN2 is on the minus strand). VCF-style: chr17-65530040-T-A. GRCh37 (hg19) VCF-style: chr17-63526158-T-A.
Other names: c.2273A>T, p.Glu758Val (NM_001363813.1); short protein forms E823V, E758V.
Identifiers: ClinVar variation 5032593 (VCV005032593.1).

ClinVar aggregate classification (germline): Uncertain significance (1 of 4 stars; one submission).

Conditions:
Hereditary cancer-predisposing syndrome. Also called: Neoplastic Syndromes, Hereditary; Tumor predisposition; Hereditary neoplastic syndrome; Hereditary Cancer Syndrome. Identifiers: Orphanet 140162, MedGen C0027672, MeSH D009386, MONDO:0015356.

Submission:

Ambry Genetics
Classification: Uncertain significance for Hereditary cancer-predisposing syndrome. Last evaluated: 2026-07-07. Review status: criteria provided, single submitter. Criteria: Ambry Variant Classification Scheme 2023. Collection method: clinical testing. Allele origin: germline.
Comment: The p.E823V variant (also known as c.2468A>T), located in coding exon 10 of the AXIN2 gene, results from an A to T substitution at nucleotide position 2468. The glutamic acid at codon 823 is replaced by valine, an amino acid with dissimilar properties. This amino acid position is conserved. In addition, this alteration is predicted to be tolerated by in silico analysis. Based on the available evidence, the clinical significance of this variant remains unclear.